The following is an entry in ClinVar:

ClinVar aggregate classification (germline): Uncertain significance (1 of 4 stars; one submission).

gnomAD v4.1: 1 of 1,613,674 alleles (0.000062%); highest among the groups gnomAD compares: Non-Finnish European, 0.000085%; no homozygotes.

Submission:

Ambry Genetics
Classification: Uncertain significance. Last evaluated: 2025-02-03. Review status: criteria provided, single submitter. Criteria: Ambry Variant Classification Scheme 2023. Collection method: clinical testing. Allele origin: germline.
Comment: The p.Y279S variant (also known as c.836A>C), located in coding exon 4 of the PALLD gene, results from an A to C substitution at nucleotide position 836. The tyrosine at codon 279 is replaced by serine, an amino acid with dissimilar properties. This amino acid position is conserved. In addition, this alteration is predicted to be tolerated by in silico analysis. Based on the available evidence, the clinical significance of this variant remains unclear.

NM_001166108.2(PALLD):c.2348A>C (p.Tyr783Ser)

Genes: CBR4 (carbonyl reductase 4; minus strand), PALLD (palladin, cytoskeletal associated protein; plus strand). Cytogenetic location: 4q32.3.
Variant type: single nucleotide variant.
Coding change: c.2348A>C on transcript NM_001166108.2 (MANE Select); coding-DNA position 2348, A replaced by C.
Protein change: p.Tyr783Ser; replaces tyrosine 783 with serine.
Molecular consequence: missense variant.
Genome position (GRCh38, 1-based): chr4:168,898,590, A>C. VCF-style: chr4-168898590-A-C. GRCh37 (hg19) VCF-style: chr4-169819741-A-C.
Other names: c.1151A>C, p.Tyr384Ser (NM_001166109.2); c.836A>C, p.Tyr279Ser (NM_001166110.2); c.176A>C, p.Tyr59Ser (NM_001367567.1, NM_001367569.1); c.227A>C, p.Tyr76Ser (NM_001367568.1, NM_001367570.1); c.2297A>C, p.Tyr766Ser (NM_016081.4); short protein forms Y59S, Y783S, Y279S, Y384S, Y766S, Y76S.
Identifiers: ClinVar variation 3885322 (VCV003885322.1).